The following is an entry in ClinVar:

NM_001009944.3(PKD1):c.6133G>A (p.Ala2045Thr)

Gene: PKD1 (polycystin 1, transient receptor potential channel interacting; minus strand). Cytogenetic location: 16p13.3.
Variant type: single nucleotide variant.
Coding change: c.6133G>A on transcript NM_001009944.3 (MANE Select); coding-DNA position 6133, G replaced by A.
Protein change: p.Ala2045Thr; replaces alanine 2045 with threonine.
Molecular consequence: missense variant.
Genome position (GRCh38, 1-based): chr16:2,109,034, C>T on the plus strand (G>A on the coding strand, the complement: PKD1 is on the minus strand). VCF-style: chr16-2109034-C-T. GRCh37 (hg19) VCF-style: chr16-2159035-C-T.
Other names: c.6133G>A, p.Ala2045Thr (NM_000296.4); c.6133G>A (NM_000296.3); short protein forms A2045T.
Identifiers: ClinVar variation 3359824 (VCV003359824.2).

ClinVar aggregate classification (germline): Uncertain significance. Review status: criteria provided, multiple submitters, no conflicts (2 of 4 stars). 2 submissions from 2 submitters: Uncertain significance (2). Last evaluated 2025-08-30.

Conditions:
Inborn genetic diseases. Identifiers: MedGen C0950123, MeSH D030342.

gnomAD v4.1: 5 of 1,608,924 alleles (0.00031%); highest among the groups gnomAD compares: Admixed American, 0.0017%; no homozygotes.

Submissions (2):

Ambry Genetics
Classification: Uncertain significance for Inborn genetic diseases. Last evaluated: 2025-08-30. Review status: criteria provided, single submitter. Criteria: Ambry Variant Classification Scheme 2023. Collection method: clinical testing. Allele origin: germline.

GeneDx
Classification: Uncertain significance. Last evaluated: 2023-06-16. Review status: criteria provided, single submitter. Criteria: GeneDx Variant Classification Process June 2021. Collection method: clinical testing. Allele origin: germline. Affected: yes.
Comment: Not observed at significant frequency in large population cohorts (gnomAD); In silico analysis supports that this missense variant does not alter protein structure/function; Has not been previously published as pathogenic or benign to our knowledge